The following is an entry in ClinVar:

NM_000256.3(MYBPC3):c.3815-8T>C

Gene: MYBPC3 (myosin binding protein C3; minus strand). Cytogenetic location: 11p11.2.
Variant type: single nucleotide variant.
Coding change: c.3815-8T>C on transcript NM_000256.3 (MANE Select); 8 bases into the intron before coding-DNA position 3815, T replaced by C.
Molecular consequence: intron variant.
Genome position (GRCh38, 1-based): chr11:47,331,889, A>G on the plus strand (T>C on the coding strand, the complement: MYBPC3 is on the minus strand). VCF-style: chr11-47331889-A-G. GRCh37 (hg19) VCF-style: chr11-47353440-A-G.
Identifiers: ClinVar variation 3387088 (VCV003387088.1).

ClinVar aggregate classification (germline): Likely benign (1 of 4 stars; one submission).

Conditions:
Hypertrophic cardiomyopathy. Also called: HYPERTROPHIC MYOCARDIOPATHY. Identifiers: Orphanet 217569, MedGen C0007194, MeSH D002312, MONDO:0005045, HP:0001639.

Submission:

All of Us Research Program, National Institutes of Health
Classification: Likely benign for Hypertrophic cardiomyopathy. Last evaluated: 2024-05-14. Review status: criteria provided, single submitter. Criteria: ACMG Guidelines, 2015. Collection method: clinical testing. Allele origin: germline. Inheritance: Autosomal dominant inheritance. Observed: 1 variant allele, 1 heterozygote.
Comment: This study involves interpretation of variants in research participants for the purpose of population health screening. Participant phenotype was not available at the time of variant classification. Additional details can be found in publication PMID: 35346344, PMCID: PMC8962531